The following is an entry in ClinVar:

ClinVar aggregate classification (germline): Likely benign (0 of 4 stars; one submission).

Conditions:
COL1A1-related disorder. Also called: COL1A1- related disease; COL1A1-related condition.

Submission:

PreventionGenetics, part of Exact Sciences
Classification: Likely benign for COL1A1-related condition. Last evaluated: 2022-07-25. Review status: no assertion criteria provided. Collection method: clinical testing. Allele origin: germline.
Comment: This variant is classified as likely benign based on ACMG/AMP sequence variant interpretation guidelines (Richards et al. 2015 PMID: 25741868, with internal and published modifications).

NM_000088.4(COL1A1):c.*239_*244dup

Gene: COL1A1 (collagen type I alpha 1 chain; minus strand). Cytogenetic location: 17q21.33.
Variant type: Duplication.
Coding change: c.*239_*244dup on transcript NM_000088.4 (MANE Select); 239 bases downstream of the stop codon through 244 bases downstream of the stop codon, 6 bases duplicated (AAAAAA; older notation c.*239_*244dupAAAAAA).
Molecular consequence: 3 prime UTR variant.
Genome position (GRCh38, 1-based): chr17:50,185,258-50,185,263, TTTTTT duplicated on the plus strand (AAAAAA on the coding strand, the reverse complement: COL1A1 is on the minus strand); duplicating any 6 consecutive bases within chr17:50,185,258-50,185,276 gives the same sequence; the c. name uses the placement nearest the transcript's 3' end. VCF-style (leftmost placement, unchanged base first): chr17-50185257-C-CTTTTTT. GRCh37 (hg19) VCF-style: chr17-48262618-C-CTTTTTT.
Other names: c.*239_*244dup6 (NM_000088.3).
Identifiers: ClinVar variation 3031295 (VCV003031295.2), dbSNP rs56302025, ClinGen allele CA919856569.